The following is an entry in ClinVar:

ClinVar aggregate classification (germline): Pathogenic (1 of 4 stars; one submission).

Conditions:
VPS13A-related neurodegenerative disease. Also called: ACANTHOCYTOSIS WITH NEUROLOGIC DISORDER; LEVINE-CRITCHLEY SYNDROME; Choreoacanthocytosis; Chorea-acanthocytosis; Choreaacanthocytosis; VPS13A Disease. Identifiers: Orphanet 2388, MedGen C0393576, MONDO:0008695, OMIM 200150.

Submission:

Myriad Genetics, Inc.
Classification: Pathogenic for VPS13A-related neurodegenerative disease. Last evaluated: 2023-09-27. Review status: criteria provided, single submitter. Criteria: Myriad Autosomal Dominant, Autosomal Recessive and X-Linked Classification Criteria (2023). Collection method: clinical testing. Allele origin: unknown.
Comment: NM_033305.2(VPS13A):c.8756dupG(A2920Cfs*11) is expected to be pathogenic in the context of VPS13A disease. This variant is predicted to lead to an abnormal or absent protein product due to the creation of a premature termination codon in VPS13A, a gene where loss-of-function variants are known to be pathogenic. Please note: this variant was assessed in the context of healthy population screening.

NM_033305.3(VPS13A):c.8756dup (p.Ala2920fs)

Gene: VPS13A (vacuolar protein sorting 13 homolog A; plus strand). Cytogenetic location: 9q21.2.
Variant type: Duplication.
Coding change: c.8756dup on transcript NM_033305.3 (MANE Select); coding-DNA position 8756, one base duplicated (G; older notation c.8756dupG).
Protein change: p.Ala2920fs; shifts the reading frame from alanine 2920.
Molecular consequence: frameshift variant.
Genome position (GRCh38, 1-based): chr9:77,370,427, G duplicated; the last of 2 consecutive G bases (chr9:77,370,426-77,370,427); duplicating either gives the same sequence. VCF-style (leftmost placement, unchanged base first): chr9-77370425-T-TG. GRCh37 (hg19) VCF-style: chr9-79985341-T-TG.
Other names: c.8639dup, p.Ala2881fs (NM_001018037.2); c.8756dup, p.Ala2920fs (NM_001018038.3, NM_015186.4); short protein forms A2881fs, A2920fs.
Identifiers: ClinVar variation 5012253 (VCV005012253.1).